The following is an entry in ClinVar:

NM_080680.3(COL11A2):c.26_28dup (p.Arg9dup)

Gene: COL11A2 (collagen type XI alpha 2 chain; minus strand). Cytogenetic location: 6p21.32.
Variant type: Duplication.
Coding change: c.26_28dup on transcript NM_080680.3 (MANE Select); coding-DNA positions 26 to 28, 3 bases duplicated (GCC; older notation c.26_28dupGCC).
Protein change: p.Arg9dup; duplicates arginine 9.
Molecular consequence: inframe insertion.
Genome position (GRCh38, 1-based): chr6:33,192,213-33,192,215, GGC duplicated on the plus strand (GCC on the coding strand, the reverse complement: COL11A2 is on the minus strand); duplicating any 3 consecutive bases within chr6:33,192,213-33,192,216 gives the same sequence; the c. name uses the placement nearest the transcript's 3' end. VCF-style (leftmost placement, unchanged base first): chr6-33192212-A-AGGC. GRCh37 (hg19) VCF-style: chr6-33159989-A-AGGC.
Other names: c.26_28dup, p.Arg9dup (NM_001163771.2, NM_080679.3, NM_080681.3).
Identifiers: ClinVar variation 1364517 (VCV001364517.6), dbSNP rs1270100405, ClinGen allele CA824014471.
Genomic context (GRCh38, chr6:33,192,212, plus strand): 5'-CTCTTACCTGCCCAGCCTGGGGCCGCGCTCAGCCCCAGCACCAGAGGTAGGAGGAGGAGG[A>AGGC]GGCGATGGCAGCGGCTGCACCGCTCCATGGCTGAGAAGCCGAAACGCCGGGTCCCAGGGA-3'

ClinVar aggregate classification (germline): Uncertain significance (1 of 4 stars; one submission).

Submission:

Labcorp Genetics (formerly Invitae), Labcorp
Classification: Uncertain significance. Last evaluated: 2024-10-03. Review status: criteria provided, single submitter. Criteria: Invitae Variant Classification Sherloc (09022015). Collection method: clinical testing. Allele origin: germline.
Comment: This variant, c.26_28dup, results in the insertion of 1 amino acid(s) of the COL11A2 protein (p.Arg9dup), but otherwise preserves the integrity of the reading frame. This variant is not present in population databases (gnomAD no frequency). This variant has not been reported in the literature in individuals affected with COL11A2-related conditions. ClinVar contains an entry for this variant (Variation ID: 1364517). Experimental studies and prediction algorithms are not available or were not evaluated, and the functional significance of this variant is currently unknown. In summary, the available evidence is currently insufficient to determine the role of this variant in disease. Therefore, it has been classified as a Variant of Uncertain Significance.